The following is an entry in ClinVar:

NM_006904.7(PRKDC):c.6385C>T (p.Leu2129Phe)

Gene: PRKDC (protein kinase, DNA-activated, catalytic subunit; minus strand). Cytogenetic location: 8q11.21.
Variant type: single nucleotide variant.
Coding change: c.6385C>T on transcript NM_006904.7 (MANE Select); coding-DNA position 6385, C replaced by T.
Protein change: p.Leu2129Phe; replaces leucine 2129 with phenylalanine.
Molecular consequence: missense variant.
Genome position (GRCh38, 1-based): chr8:47,858,596, G>A on the plus strand (C>T on the coding strand, the complement: PRKDC is on the minus strand). VCF-style: chr8-47858596-G-A. GRCh37 (hg19) VCF-style: chr8-48771157-G-A.
Other names: c.6385C>T, p.Leu2129Phe (NM_001081640.2); short protein forms L2129F.
Identifiers: ClinVar variation 1512889 (VCV001512889.4), dbSNP rs758819988, ClinGen allele CA4740361.
Genomic context (GRCh38, chr8:47,858,596, plus strand): 5'-GCTTGGCTAAGAAGAGACGGATATTTAATGGTACTATTGGATTTCCCAGTTTGCCATGGA[G>A]GAATTTCATCCAAGAAGGAAGATCTCTTGGCACTGAATCCTAAAATAAAACATTCAAAAT-3'
Protein context (NP_008835.5, residues 2119-2139): PRDLPSWMKF[Leu2129Phe]HGKLGNPIVP

ClinVar aggregate classification (germline): Uncertain significance (1 of 4 stars; one submission).

Conditions:
Severe combined immunodeficiency due to DNA-PKcs deficiency. Also called: IMMUNODEFICIENCY 26 WITH NEUROLOGIC ABNORMALITIES; Immunodeficiency 26 with or without neurologic abnormalities. Identifiers: Orphanet 317425, MedGen C4014833, MONDO:0014423, OMIM 615966.

Allele frequency attached by ClinVar (database versions not stated): gnomAD exomes 0.00001 and 0.00005; ExAC 0.00003; TOPMed 0.00003.
gnomAD v4.1: 68 of 1,557,776 alleles (0.0044%); highest among the groups gnomAD compares: Non-Finnish European, 0.0056%; 1 homozygote.

Submission:

Labcorp Genetics (formerly Invitae), Labcorp
Classification: Uncertain significance for Severe combined immunodeficiency due to DNA-PKcs deficiency. Last evaluated: 2021-09-14. Review status: criteria provided, single submitter. Criteria: Invitae Variant Classification Sherloc (09022015). Collection method: clinical testing. Allele origin: germline.
Comment: In summary, the available evidence is currently insufficient to determine the role of this variant in disease. Therefore, it has been classified as a Variant of Uncertain Significance. Experimental studies and prediction algorithms are not available or were not evaluated, and the functional significance of this variant is currently unknown. This variant has not been reported in the literature in individuals affected with PRKDC-related conditions. This variant is present in population databases (rs758819988, ExAC 0.006%). This sequence change replaces leucine with phenylalanine at codon 2129 of the PRKDC protein (p.Leu2129Phe). The leucine residue is highly conserved and there is a small physicochemical difference between leucine and phenylalanine.